The following is an entry in ClinVar:

ClinVar aggregate classification (germline): Pathogenic (1 of 4 stars; one submission).

Submission:

GeneDx
Classification: Pathogenic. Last evaluated: 2018-11-27. Review status: criteria provided, single submitter. Criteria: GeneDx Variant Classification (06012015). Collection method: clinical testing. Allele origin: germline. Affected: yes.
Comment: The c.448dupC variant in the NFIX gene has not been reported previously as a pathogenic variant nor as a benign variant, to our knowledge. The c.448dupC variant causes a frameshift starting with codon Leucine 150, changes this amino acid to a Proline residue, and creates a premature Stop codon at position 5 of the new reading frame, denoted p.Leu150ProfsX5. This variant is predicted to cause loss of normal protein function either through protein truncation or nonsense-mediated mRNA decay. The c.448dupC variant is not observed in large population cohorts (Lek et al., 2016). We interpret c.448dupC as a pathogenic variant.

NM_001365902.3(NFIX):c.424dup (p.Leu142fs)

Gene: NFIX (nuclear factor I X; plus strand). Cytogenetic location: 19p13.13.
Variant type: Duplication.
Coding change: c.424dup on transcript NM_001365902.3 (MANE Select); coding-DNA position 424, one base duplicated (C; older notation c.424dupC).
Protein change: p.Leu142fs; shifts the reading frame from leucine 142.
Molecular consequence: frameshift variant.
Genome position (GRCh38, 1-based): chr19:13,025,417, C duplicated; the last of 5 consecutive C bases (chr19:13,025,413-13,025,417); duplicating any one gives the same sequence. VCF-style (leftmost placement, unchanged base first): chr19-13025412-T-TC. GRCh37 (hg19) VCF-style: chr19-13136226-T-TC.
Other names: c.448dup, p.Leu150fs (NM_001271043.2); c.400dup, p.Leu134fs (NM_001271044.3, NM_001378404.1); c.424dup, p.Leu142fs (NM_001365982.2, NM_002501.4); c.283dup, p.Leu95fs (NM_001365983.2); c.421dup, p.Leu141fs (NM_001365984.2, NM_001365985.2); c.472dup, p.Leu158fs (NM_001378405.1); c.448dupC (NM_001271043.2); short protein forms L142fs, L95fs, L150fs, L158fs, L141fs, L134fs.
Identifiers: ClinVar variation 817902 (VCV000817902.1), dbSNP rs1599738608, ClinGen allele CA915952542.